The following is an entry in ClinVar:

NM_000053.4(ATP7B):c.1416G>A (p.Pro472=)

Gene: ATP7B (ATPase copper transporting beta; minus strand). Cytogenetic location: 13q14.3.
Variant type: single nucleotide variant.
Coding change: c.1416G>A on transcript NM_000053.4 (MANE Select); coding-DNA position 1416, G replaced by A.
Protein change: p.Pro472=; no amino-acid change (proline 472 retained).
Molecular consequence: synonymous variant. On other transcripts: intron variant (1).
Genome position (GRCh38, 1-based): chr13:51,970,619, C>T on the plus strand (G>A on the coding strand, the complement: ATP7B is on the minus strand). VCF-style: chr13-51970619-C-T. GRCh37 (hg19) VCF-style: chr13-52544755-C-T.
Other names: c.1416G>A, p.Pro472= (NM_001005918.3, NM_001330578.2, NM_001330579.2 and 28 more transcripts); c.1083G>A, p.Pro361= (NM_001243182.2); c.1320G>A, p.Pro440= (NM_001406517.1, NM_001406518.1, NM_001406530.1 and 3 more transcripts); c.987G>A, p.Pro329= (NM_001406539.1); c.1285+3316G>A (NM_001406548.1).
Identifiers: ClinVar variation 5039584 (VCV005039584.1).

ClinVar aggregate classification (germline): Likely benign (1 of 4 stars; one submission).

gnomAD v4.1: 32 of 1,613,992 alleles (0.002%); highest among the groups gnomAD compares: African/African-American, 0.004%; no homozygotes.

Submission:

CeGaT Center for Human Genetics Tuebingen
Classification: Likely benign. Last evaluated: 2026-06-01. Review status: criteria provided, single submitter. Criteria: CeGaT Center For Human Genetics Tuebingen Variant Classification Criteria Version 2. Collection method: clinical testing. Allele origin: germline. Affected: yes. Observed: 1 variant allele.
Comment: ATP7B: BP4, BP7